The following is an entry in ClinVar:

ClinVar aggregate classification (germline): Benign. Review status: criteria provided, multiple submitters, no conflicts (2 of 4 stars). 2 submissions from 2 submitters: Benign (2). Last evaluated 2018-01-12.

Conditions:
Cutis laxa with osteodystrophy (ARCL2A). Also called: Debré-Type Cutis Laxa; CUTIS LAXA WITH CONGENITAL DISORDER OF GLYCOSYLATION; CUTIS LAXA, AUTOSOMAL RECESSIVE, TYPE IIA; CUTIS LAXA WITH BONE DYSTROPHY; CUTIS LAXA WITH GROWTH AND DEVELOPMENTAL DELAY; CUTIS LAXA WITH JOINT LAXITY AND RETARDED DEVELOPMENT. Identifiers: Orphanet 357058, MedGen C0268355, MONDO:0018163, OMIM 219200. Disease mechanism: loss of function.

Allele frequency attached by ClinVar (database versions not stated): gnomAD 0.55028 and 0.53964; 1000 Genomes Project 30x 0.60931; 1000 Genomes Project 0.61761; TOPMed 0.54201; gnomAD exomes 0.69143.
gnomAD v4.1: 83,899 of 152,368 alleles (55%); highest among the groups gnomAD compares: East Asian, 94%; 24,722 homozygotes.

Submissions (2):

Illumina Laboratory Services, Illumina
Classification: Benign for Cutis laxa with osteodystrophy. Last evaluated: 2018-01-12. Review status: criteria provided, single submitter. Criteria: ICSL Variant Classification Criteria 13 December 2019. Collection method: clinical testing. Allele origin: germline.
Comment: This variant was observed in the ICSL laboratory as part of a predisposition screen in an ostensibly healthy population. It had not been previously curated by ICSL or reported in the Human Gene Mutation Database (HGMD: prior to June 1st, 2018), and was therefore a candidate for classification through an automated scoring system. Utilizing variant allele frequency, disease prevalence and penetrance estimates, and inheritance mode, an automated score was calculated to assess if this variant is too frequent to cause the disease. Based on the score and internal cut-off values, a variant classified as benign is not then subjected to further curation. The score for this variant resulted in a classification of benign for this disease.

Breakthrough Genomics
Classification: Benign. Review status: criteria provided, single submitter. Criteria: ACMG Guidelines, 2015. Collection method: not provided. Allele origin: germline. Inheritance: Autosomal recessive inheritance. Affected: yes.

NM_012463.4(ATP6V0A2):c.*1128T>C

Gene: ATP6V0A2 (ATPase H+ transporting V0 subunit a2; plus strand). Cytogenetic location: 12q24.31.
Variant type: single nucleotide variant.
Coding change: c.*1128T>C on transcript NM_012463.4 (MANE Select); 1128 bases downstream of the stop codon, T replaced by C.
Molecular consequence: 3 prime UTR variant.
Genome position (GRCh38, 1-based): chr12:123,759,160, T>C. VCF-style: chr12-123759160-T-C. GRCh37 (hg19) VCF-style: chr12-124243707-T-C.
Identifiers: ClinVar variation 307610 (VCV000307610.6), dbSNP rs10744162, ClinGen allele CA10641315.
Genomic context (GRCh38, chr12:123,759,160, plus strand): 5'-CAGCTTGGCTGATGTCACTGAACCAGAAGGGTTTATACTGAGTGAAGGAAAGGTAAAAAG[T>C]AGTATTTTGTATATTTTTGTAACAAAATATAAATGAAGATATTTTACCATGAAGAGATTG-3'